The following is an entry in ClinVar:

ClinVar aggregate classification (germline): Uncertain significance (0 of 4 stars; one submission).

Conditions:
Fanconi anemia complementation group A (FANCA). Also called: Fanconi anemia, group A; FANCA-Related Fanconi Anemia. Identifiers: Orphanet 84, MedGen C3469521, MONDO:0009215, OMIM 227650.

Submission:

Leiden Open Variation Database
Classification: Uncertain significance for Fanconi anemia complementation group A. Last evaluated: 2020-02-28. Review status: no assertion criteria provided. Collection method: curation. Allele origin: germline. Affected: yes.
Comment: Curator: Arleen D. Auerbach. Submitter to LOVD: Arleen D. Auerbach.

Literature cited by the submitters: PubMed 16084127.

NC_000016.10:g.(89742939_89744958)_(89745072_89746583)del

Gene: FANCA (FA complementation group A; minus strand). Cytogenetic location: 16q24.3.
Variant type: Deletion.
Identifiers: ClinVar variation 974057 (VCV000974057.1).